The following is an entry in ClinVar:

ClinVar aggregate classification (germline): Uncertain significance. Review status: criteria provided, single submitter (1 of 4 stars). 2 submissions from 2 submitters: Uncertain significance (1). 1 of the submissions does not count toward it. Last evaluated 2026-02-01.

Conditions:
Deafness, digenic, GJB2/GJB3. Identifiers: MedGen C2673761. Disease mechanism: loss of function.
Autosomal dominant nonsyndromic hearing loss 2B. Also called: DEAFNESS, AUTOSOMAL DOMINANT, WITH OR WITHOUT PERIPHERAL NEUROPATHY. Identifiers: Orphanet 90635, MedGen C2675236, MONDO:0012976, OMIM 612644.

Allele frequency attached by ClinVar (database versions not stated): ExAC 0.00001; gnomAD exomes 0.00001; TOPMed 0.00001.

Submissions (2):

Department of Otolaryngology Head and Neck Surgery, Hainan Hospital of the Chinese People’s Liberation Army General Hospital
Classification: Uncertain significance for Autosomal dominant nonsyndromic hearing loss 2B. Last evaluated: 2026-02-01. Review status: criteria provided, single submitter. Criteria: ACMG Guidelines, 2015. Collection method: clinical testing. Allele origin: germline. Affected: no. Observed: 2 variant alleles.
Comment: The GJB3 c.497A>G (p.Asn166Ser) variant is a missense variant recorded in ClinVar as Pathogenic for digenic deafness(Accession: VCV000006492.1)(Liu 2009). However, the association between GJB3 and autosomal dominant nonsyndromic hearing loss has been reassessed by the ClinGen Hearing Loss Expert Panel (2018) as Disputed, due to lack of convincing evidence and high population frequencies of some previously reported variants . This variant is extremely rare in population databases. In our cohort, heterozygous individuals show no significant hearing loss at the time of testing, which is consistent with the uncertainty regarding this gene-disease association. Long-term follow-up and additional evidence are needed to clarify the role of this variant.

OMIM
Classification: Pathogenic for DEAFNESS, DIGENIC, GJB2/GJB3. Last evaluated: 2009-02-01. Review status: no assertion criteria provided. Collection method: literature only. Allele origin: germline. Not counted in ClinVar's aggregate classification.

Literature cited by the submitters: PubMed 19050930 (cited by Department of Otolaryngology Head and Neck Surgery, Hainan Hospital of the Chinese People’s Liberation Army General Hospital and OMIM).

NM_024009.3(GJB3):c.497A>G (p.Asn166Ser)

Gene: GJB3 (gap junction protein beta 3; plus strand). Cytogenetic location: 1p34.3.
Variant type: single nucleotide variant.
Coding change: c.497A>G on transcript NM_024009.3 (MANE Select); coding-DNA position 497, A replaced by G.
Protein change: p.Asn166Ser; replaces asparagine 166 with serine.
Molecular consequence: missense variant.
Genome position (GRCh38, 1-based): chr1:34,785,259, A>G. VCF-style: chr1-34785259-A-G. GRCh37 (hg19) VCF-style: chr1-35250860-A-G.
Other names: c.497A>G, p.Asn166Ser (NM_001005752.2); short protein forms N166S.
Identifiers: ClinVar variation 6492 (VCV000006492.2), dbSNP rs121908851, ClinGen allele CA118311.